The following is an entry in ClinVar:

ClinVar aggregate classification (germline): Uncertain significance (1 of 4 stars; one submission).

Submission:

Labcorp Genetics (formerly Invitae), Labcorp
Classification: Uncertain significance. Last evaluated: 2023-10-15. Review status: criteria provided, single submitter. Criteria: Invitae Variant Classification Sherloc (09022015). Collection method: clinical testing. Allele origin: unknown.
Comment: This variant results in a copy number gain of the genomic region encompassing exon(s) 34-49 of the POLE gene. This region includes the termination codon of the gene. This copy number gain extends beyond the assayed region for this gene and therefore may encompass additional genes. As the precise location of this event is unknown, it may be in tandem or it may be located elsewhere in the genome. This variant has not been reported in the literature in individuals affected with POLE-related conditions. Experimental studies and prediction algorithms are not available or were not evaluated, and the functional significance of this variant is currently unknown. In summary, the available evidence is currently insufficient to determine the role of this variant in disease. Therefore, it has been classified as a Variant of Uncertain Significance.

NC_000012.11:g.(?_133201283)_(133220156_?)dup

Gene: POLE (DNA polymerase epsilon, catalytic subunit; minus strand). Cytogenetic location: 12q24.33.
Variant type: Duplication.
Identifiers: ClinVar variation 3244414 (VCV003244414.1).